The following is an entry in ClinVar:

NM_182914.3(SYNE2):c.8890C>T (p.Arg2964Cys)

Gene: SYNE2 (spectrin repeat containing nuclear envelope protein 2; plus strand). Cytogenetic location: 14q23.2.
Variant type: single nucleotide variant.
Coding change: c.8890C>T on transcript NM_182914.3 (MANE Select); coding-DNA position 8890, C replaced by T.
Protein change: p.Arg2964Cys; replaces arginine 2964 with cysteine.
Molecular consequence: missense variant.
Genome position (GRCh38, 1-based): chr14:64,052,803, C>T. VCF-style: chr14-64052803-C-T. GRCh37 (hg19) VCF-style: chr14-64519521-C-T.
Other names: c.8890C>T, p.Arg2964Cys (NM_015180.6); short protein forms R2964C.
Identifiers: ClinVar variation 881589 (VCV000881589.4), dbSNP rs199665519, ClinGen allele CA7221180.

ClinVar aggregate classification (germline): Benign (1 of 4 stars; one submission).

Conditions:
Emery-Dreifuss muscular dystrophy 5, autosomal dominant (EDMD5). Also called: EMERY-DREIFUSS MUSCULAR DYSTROPHY 5. Identifiers: Orphanet 261, MedGen C2751805, MONDO:0013072, OMIM 612999.

Allele frequency attached by ClinVar (database versions not stated): TOPMed 0.00002; gnomAD 0.00003 and 0.00004.
gnomAD v4.1: 75 of 1,612,340 alleles (0.0047%); highest among the groups gnomAD compares: South Asian, 0.0088%; no homozygotes.

Submission:

Illumina Laboratory Services, Illumina
Classification: Benign for Emery-Dreifuss muscular dystrophy 5, autosomal dominant. Last evaluated: 2018-01-12. Review status: criteria provided, single submitter. Criteria: ICSL Variant Classification Criteria 13 December 2019. Collection method: clinical testing. Allele origin: germline.
Comment: This variant was observed in the ICSL laboratory as part of a predisposition screen in an ostensibly healthy population. It had not been previously curated by ICSL or reported in the Human Gene Mutation Database (HGMD: prior to June 1st, 2018), and was therefore a candidate for classification through an automated scoring system. Utilizing variant allele frequency, disease prevalence and penetrance estimates, and inheritance mode, an automated score was calculated to assess if this variant is too frequent to cause the disease. Based on the score and internal cut-off values, a variant classified as benign is not then subjected to further curation. The score for this variant resulted in a classification of benign for this disease.